The following is an entry in ClinVar:

ClinVar aggregate classification (germline): Uncertain significance (1 of 4 stars; one submission).

Submission:

Labcorp Genetics (formerly Invitae), Labcorp
Classification: Uncertain significance. Last evaluated: 2024-08-13. Review status: criteria provided, single submitter. Criteria: Invitae Variant Classification Sherloc (09022015). Collection method: clinical testing. Allele origin: germline.
Comment: This sequence change affects an acceptor splice site in intron 15 of the HDAC4 gene. It is expected to disrupt RNA splicing. Variants that disrupt the donor or acceptor splice site typically lead to a loss of protein function (PMID: 16199547), however the current clinical and genetic evidence is not sufficient to establish whether loss-of-function variants in HDAC4 cause disease. This variant is not present in population databases (gnomAD no frequency). This variant has not been reported in the literature in individuals affected with HDAC4-related conditions. ClinVar contains an entry for this variant (Variation ID: 1461153). Algorithms developed to predict the effect of sequence changes on RNA splicing suggest that this variant may disrupt the consensus splice site. In summary, the available evidence is currently insufficient to determine the role of this variant in disease. Therefore, it has been classified as a Variant of Uncertain Significance.

Literature cited by the submitters: PubMed 16199547.

NM_001378414.1(HDAC4):c.2113-1G>A

Gene: HDAC4 (histone deacetylase 4; minus strand). Cytogenetic location: 2q37.3.
Variant type: single nucleotide variant.
Coding change: c.2113-1G>A on transcript NM_001378414.1 (MANE Select); the canonical splice acceptor site of the intron before coding-DNA position 2113, G replaced by A.
Molecular consequence: splice acceptor variant.
Genome position (GRCh38, 1-based): chr2:239,102,897, C>T on the plus strand (G>A on the coding strand, the complement: HDAC4 is on the minus strand). VCF-style: chr2-239102897-C-T. GRCh37 (hg19) VCF-style: chr2-240024593-C-T.
Other names: c.2098-1G>A (NM_001378417.1, NM_001378416.1, NM_006037.4); c.2113-1G>A (NM_001378415.1).
Identifiers: ClinVar variation 1461153 (VCV001461153.8), dbSNP rs2152765867, ClinGen allele CA351267801.